The following is an entry in ClinVar:

ClinVar aggregate classification (germline): Likely benign. Review status: criteria provided, multiple submitters, no conflicts (2 of 4 stars). 3 submissions from 3 submitters: Likely benign (3). Last evaluated 2026-08-01.

Conditions:
Inborn genetic diseases. Identifiers: MedGen C0950123, MeSH D030342.

Allele frequency attached by ClinVar (database versions not stated): gnomAD exomes below 0.00001; TOPMed below 0.00001; ExAC 0.00001.
gnomAD v4.1: 4 of 1,612,242 alleles (0.00025%); highest among the groups gnomAD compares: Non-Finnish European, 0.00034%; no homozygotes.

Submissions (3):

CeGaT Center for Human Genetics Tuebingen
Classification: Likely benign. Last evaluated: 2026-08-01. Review status: criteria provided, single submitter. Criteria: CeGaT Center For Human Genetics Tuebingen Variant Classification Criteria Version 2. Collection method: clinical testing. Allele origin: germline. Affected: yes. Observed: 1 variant allele.
Comment: SLC12A6: BP4, BP7

Labcorp Genetics (formerly Invitae), Labcorp
Classification: Likely benign. Last evaluated: 2023-09-22. Review status: criteria provided, single submitter. Criteria: Invitae Variant Classification Sherloc (09022015). Collection method: clinical testing. Allele origin: germline.

Ambry Genetics
Classification: Likely benign for Inborn genetic diseases. Last evaluated: 2022-10-23. Review status: criteria provided, single submitter. Criteria: Ambry Variant Classification Scheme 2023. Collection method: clinical testing. Allele origin: germline.

NM_001365088.1(SLC12A6):c.1458G>A (p.Thr486=)

Gene: SLC12A6 (solute carrier family 12 member 6; minus strand). Cytogenetic location: 15q14.
Variant type: single nucleotide variant.
Coding change: c.1458G>A on transcript NM_001365088.1 (MANE Select); coding-DNA position 1458, G replaced by A.
Protein change: p.Thr486=; no amino-acid change (threonine 486 retained).
Molecular consequence: synonymous variant.
Genome position (GRCh38, 1-based): chr15:34,250,933, C>T on the plus strand (G>A on the coding strand, the complement: SLC12A6 is on the minus strand). VCF-style: chr15-34250933-C-T. GRCh37 (hg19) VCF-style: chr15-34543134-C-T.
Other names: c.1281G>A, p.Thr427= (NM_001042494.2, NM_001042495.2); c.1431G>A, p.Thr477= (NM_001042496.2); c.1413G>A, p.Thr471= (NM_001042497.2); c.1305G>A, p.Thr435= (NM_005135.2); c.1458G>A, p.Thr486= (NM_133647.2).
Identifiers: ClinVar variation 1634916 (VCV001634916.11), dbSNP rs781102586, ClinGen allele CA7464305.